The following is an entry in ClinVar:

ClinVar aggregate classification (germline): Likely benign (0 of 4 stars; one submission).

Conditions:
SPNS2-related disorder. Also called: SPNS2-related condition.

gnomAD v4.1: 74 of 1,613,770 alleles (0.0046%); highest among the groups gnomAD compares: East Asian, 0.074%; no homozygotes.

Submission:

PreventionGenetics, part of Exact Sciences
Classification: Likely benign for SPNS2-related condition. Last evaluated: 2024-05-13. Review status: no assertion criteria provided. Collection method: clinical testing. Allele origin: germline.
Comment: This variant is classified as likely benign based on ACMG/AMP sequence variant interpretation guidelines (Richards et al. 2015 PMID: 25741868, with internal and published modifications).

NM_001124758.3(SPNS2):c.373G>A (p.Val125Ile)

Gene: SPNS2 (SPNS lysolipid transporter 2, sphingosine-1-phosphate; plus strand). Cytogenetic location: 17p13.2.
Variant type: single nucleotide variant.
Coding change: c.373G>A on transcript NM_001124758.3 (MANE Select); coding-DNA position 373, G replaced by A.
Protein change: p.Val125Ile; replaces valine 125 with isoleucine.
Molecular consequence: missense variant.
Genome position (GRCh38, 1-based): chr17:4,513,249, G>A. VCF-style: chr17-4513249-G-A. GRCh37 (hg19) VCF-style: chr17-4416544-G-A.
Other names: short protein forms V125I.
Identifiers: ClinVar variation 3350691 (VCV003350691.1).